The following is an entry in ClinVar:

ClinVar aggregate classification (germline): Uncertain significance. Review status: criteria provided, multiple submitters, no conflicts (2 of 4 stars). 2 submissions from 2 submitters: Uncertain significance (2). Last evaluated 2022-07-12.

Conditions:
Inborn genetic diseases. Identifiers: MedGen C0950123, MeSH D030342.

Allele frequency attached by ClinVar (database versions not stated): gnomAD 0.00002; TOPMed 0.00002; ExAC 0.00010.

Submissions (2):

Labcorp Genetics (formerly Invitae), Labcorp
Classification: Uncertain significance. Last evaluated: 2022-07-12. Review status: criteria provided, single submitter. Criteria: Invitae Variant Classification Sherloc (09022015). Collection method: clinical testing. Allele origin: germline.
Comment: This sequence change replaces valine, which is neutral and non-polar, with methionine, which is neutral and non-polar, at codon 4061 of the HSPG2 protein (p.Val4061Met). In summary, the available evidence is currently insufficient to determine the role of this variant in disease. Therefore, it has been classified as a Variant of Uncertain Significance. Algorithms developed to predict the effect of missense changes on protein structure and function are either unavailable or do not agree on the potential impact of this missense change (SIFT: "Tolerated"; PolyPhen-2: "Possibly Damaging"; Align-GVGD: "Class C0"). ClinVar contains an entry for this variant (Variation ID: 1362191). This variant has not been reported in the literature in individuals affected with HSPG2-related conditions. This variant is present in population databases (rs751181582, gnomAD 0.01%).

Ambry Genetics
Classification: Uncertain significance for Inborn genetic diseases. Last evaluated: 2021-09-16. Review status: criteria provided, single submitter. Criteria: Ambry Variant Classification Scheme 2023. Collection method: clinical testing. Allele origin: germline.

NM_005529.7(HSPG2):c.12181G>A (p.Val4061Met)

Gene: HSPG2 (heparan sulfate proteoglycan 2; minus strand). Cytogenetic location: 1p36.12.
Variant type: single nucleotide variant.
Coding change: c.12181G>A on transcript NM_005529.7 (MANE Select); coding-DNA position 12181, G replaced by A.
Protein change: p.Val4061Met; replaces valine 4061 with methionine.
Molecular consequence: missense variant.
Genome position (GRCh38, 1-based): chr1:21,828,891, C>T on the plus strand (G>A on the coding strand, the complement: HSPG2 is on the minus strand). VCF-style: chr1-21828891-C-T. GRCh37 (hg19) VCF-style: chr1-22155384-C-T.
Other names: c.12184G>A, p.Val4062Met (NM_001291860.2); c.12181G>A (NM_005529.5); short protein forms V4061M, V4062M.
Identifiers: ClinVar variation 1362191 (VCV001362191.9), dbSNP rs751181582, ClinGen allele CA669506.